The following is an entry in ClinVar:

ClinVar aggregate classification (germline): Uncertain significance (1 of 4 stars; one submission).

Conditions:
Kufor-Rakeb syndrome (KRS). Also called: PARKINSON DISEASE 9, AUTOSOMAL RECESSIVE, JUVENILE-ONSET. Identifiers: Orphanet 306674, Orphanet 314632, MedGen C1847640, MONDO:0011706, OMIM 606693.
Autosomal recessive spastic paraplegia type 78. Identifiers: Orphanet 513436, MedGen C5567893, MONDO:0014975, OMIM 617225.

Allele frequency attached by ClinVar (database versions not stated): gnomAD exomes below 0.00001 and 0.00001; TOPMed 0.00001.

Submission:

Labcorp Genetics (formerly Invitae), Labcorp
Classification: Uncertain significance for Kufor-Rakeb syndrome; Autosomal recessive spastic paraplegia type 78. Last evaluated: 2021-08-26. Review status: criteria provided, single submitter. Criteria: Invitae Variant Classification Sherloc (09022015). Collection method: clinical testing. Allele origin: germline.
Comment: This sequence change replaces glutamic acid with lysine at codon 177 of the ATP13A2 protein (p.Glu177Lys). The glutamic acid residue is moderately conserved and there is a small physicochemical difference between glutamic acid and lysine. This variant is not present in population databases (ExAC no frequency). This variant has not been reported in the literature in individuals affected with ATP13A2-related conditions. Advanced modeling of protein sequence and biophysical properties (such as structural, functional, and spatial information, amino acid conservation, physicochemical variation, residue mobility, and thermodynamic stability) performed at Invitae indicates that this missense variant is not expected to disrupt ATP13A2 protein function. In summary, the available evidence is currently insufficient to determine the role of this variant in disease. Therefore, it has been classified as a Variant of Uncertain Significance.

NM_022089.4(ATP13A2):c.529G>A (p.Glu177Lys)

Gene: ATP13A2 (ATPase cation transporting 13A2; minus strand). Cytogenetic location: 1p36.13.
Variant type: single nucleotide variant.
Coding change: c.529G>A on transcript NM_022089.4 (MANE Select); coding-DNA position 529, G replaced by A.
Protein change: p.Glu177Lys; replaces glutamic acid 177 with lysine.
Molecular consequence: missense variant.
Genome position (GRCh38, 1-based): chr1:17,004,360, C>T on the plus strand (G>A on the coding strand, the complement: ATP13A2 is on the minus strand). VCF-style: chr1-17004360-C-T. GRCh37 (hg19) VCF-style: chr1-17330855-C-T.
Other names: c.514G>A, p.Glu172Lys (NM_001141973.3, NM_001141974.3); short protein forms E172K, E177K.
Identifiers: ClinVar variation 1444453 (VCV001444453.5), dbSNP rs1323958366, ClinGen allele CA338261693.